The following is an entry in ClinVar:

ClinVar aggregate classification (germline): Uncertain significance. Review status: criteria provided, multiple submitters, no conflicts (2 of 4 stars). 6 submissions from 6 submitters: Uncertain significance (6). Last evaluated 2025-10-15.

Conditions:
Cardiac arrhythmia. Also called: Arrhythmia; Cardiac rhythm disease. Identifiers: MedGen C0003811, MONDO:0007263, HP:0011675.
Cardiovascular phenotype. Identifiers: MedGen CN230736.
Long QT syndrome (LQTS). Identifiers: MedGen C0023976, MeSH D008133, MONDO:0002442. Disease mechanism: loss of function. Inheritance: Various modes of inheritance.
Long QT syndrome 2 (LQT2). Identifiers: Orphanet 101016, Orphanet 768, MedGen C3150943, MONDO:0013367, OMIM 613688.

Allele frequency attached by ClinVar (database versions not stated): TOPMed 0.00002; ExAC 0.00003; ESP Exome Variant Server 0.00015.
gnomAD v4.1: 22 of 1,612,184 alleles (0.0014%); highest among the groups gnomAD compares: Non-Finnish European, 0.0017%; no homozygotes.

Submissions (6):

Ambry Genetics
Classification: Uncertain significance for Cardiovascular phenotype. Last evaluated: 2025-10-15. Review status: criteria provided, single submitter. Criteria: Ambry Variant Classification Scheme 2023. Collection method: clinical testing. Allele origin: germline.
Comment: The p.M308R variant (also known as c.923T>G), located in coding exon 5 of the KCNH2 gene, results from a T to G substitution at nucleotide position 923. The methionine at codon 308 is replaced by arginine, an amino acid with similar properties, and is located in the cytoplasmic N-terminal region. This amino acid position is well conserved in available vertebrate species. In addition, this alteration is predicted to be deleterious by in silico analysis. Since supporting evidence is limited at this time, the clinical significance of this alteration remains unclear.

Labcorp Genetics (formerly Invitae), Labcorp
Classification: Uncertain significance for Long QT syndrome. Last evaluated: 2025-08-19. Review status: criteria provided, single submitter. Criteria: Invitae Variant Classification Sherloc (09022015). Collection method: clinical testing. Allele origin: germline.
Comment: This sequence change replaces methionine, which is neutral and non-polar, with arginine, which is basic and polar, at codon 308 of the KCNH2 protein (p.Met308Arg). This variant is present in population databases (rs372559632, gnomAD 0.004%). This variant has not been reported in the literature in individuals affected with KCNH2-related conditions. ClinVar contains an entry for this variant (Variation ID: 923222). An algorithm developed to predict the effect of missense changes on protein structure and function (PolyPhen-2) suggests that this variant is likely to be disruptive. In summary, the available evidence is currently insufficient to determine the role of this variant in disease. Therefore, it has been classified as a Variant of Uncertain Significance.

All of Us Research Program, National Institutes of Health
Classification: Uncertain significance for Long QT syndrome. Last evaluated: 2024-08-06. Review status: criteria provided, single submitter. Criteria: ACMG Guidelines, 2015. Collection method: clinical testing. Allele origin: germline. Inheritance: Autosomal dominant inheritance. Observed: 10 variant alleles, 10 heterozygotes.
Comment: This missense variant replaces methionine with arginine at codon 308 of the KCNH2 protein. Computational prediction suggests that this variant may have deleterious impact on protein structure and function (internally defined REVEL score threshold >= 0.7, PMID: 27666373). To our knowledge, functional studies have not been reported for this variant. This variant has not been reported in individuals affected with cardiovascular disorders in the literature. This variant has been identified in 3/249942 chromosomes in the general population by the Genome Aggregation Database (gnomAD). The available evidence is insufficient to determine the role of this variant in disease conclusively. Therefore, this variant is classified as a Variant of Uncertain Significance.

This study involves interpretation of variants in research participants for the purpose of population health screening. Participant phenotype was not available at the time of variant classification. Additional details can be found in publication PMID: 35346344, PMCID: PMC8962531

Color Diagnostics, LLC DBA Color Health
Classification: Uncertain significance for Cardiac arrhythmia. Last evaluated: 2024-03-06. Review status: criteria provided, single submitter. Criteria: ACMG Guidelines, 2015. Collection method: clinical testing. Allele origin: germline.
Comment: This missense variant replaces methionine with arginine at codon 308 of the KCNH2 protein. Computational prediction suggests that this variant may have deleterious impact on protein structure and function (internally defined REVEL score threshold >= 0.7, PMID: 27666373). To our knowledge, functional studies have not been reported for this variant. This variant has not been reported in individuals affected with KCNH2-related disorders in the literature. This variant has been identified in 3/249942 chromosomes in the general population by the Genome Aggregation Database (gnomAD). The available evidence is insufficient to determine the role of this variant in disease conclusively. Therefore, this variant is classified as a Variant of Uncertain Significance.

Victorian Clinical Genetics Services, Murdoch Childrens Research Institute
Classification: Uncertain significance for Long QT syndrome 2. Last evaluated: 2023-07-17. Review status: criteria provided, single submitter. Criteria: ACMG Guidelines, 2015. Collection method: clinical testing. Allele origin: germline. Inheritance: Autosomal dominant inheritance. Affected: yes.
Comment: Based on the classification scheme VCGS_Germline_v1.3.4, this variant is classified as VUS-3B. Following criteria are met: 0103 - Dominant negative and loss of function are known mechanisms of disease in this gene and are associated with long QT syndrome 2 (MIM#613688). Gain of function is also a known mechanism associated with short QT syndrome 1 (MIM#609620) (OMIM, PMIDs: 10753933, 21777565). (I) 0107 - This gene is associated with autosomal dominant disease. (I) 0112 - The condition associated with this gene has incomplete penetrance (PMID: 20301308). (I) 0200 - Variant is predicted to result in a missense amino acid change from methionine to arginine. (I) 0251 - This variant is heterozygous. (I) 0302 - Variant is present in gnomAD (v2 & v3) <0.001 for a dominant condition (6 heterozygotes, 0 homozygotes). (SP) 0309 - Two alternative amino acid changes at the same position have been observed in gnomAD (v2 & v3) (highest allele count: 7 heterozygotes, 0 homozygotes). (I) 0502 - Missense variant with conflicting in silico predictions and uninformative conservation. (I) 0604 - Variant is not located in an established domain, motif, hotspot or informative constraint region. (I) 0710 - Other missense variants comparable to the one identified in this case have inconclusive previous evidence for pathogenicity. p.(Met308Val) and p.(Met308Ile) have been reported as VUS, in a family with long QT syndrome and an individual with epilepsy, respectively (LOVD and PMIDs: 26669661, 31696929). (I) 0809 - Previous evidence of pathogenicity for this variant is inconclusive. It has been reported as a VUS by multiple clinical testing laboratories (ClinVar). (I) 0905 - No published segregation evidence has been identified for this variant. (I) 1007 - No published functional evidence has been identified for this variant. (I) 1208 - Inheritance information for this variant is not currently available in this individual. (I) Legend: (SP) - Supporting pathogenic, (I) - Information, (SB) - Supporting benign

AiLife Diagnostics
Classification: Uncertain significance. Last evaluated: 2022-01-01. Review status: criteria provided, single submitter. Criteria: ACMG Guidelines, 2015. Collection method: clinical testing. Allele origin: germline. Affected: yes. Observed: 3 variant alleles.

Literature cited by the submitters: PubMed 10753933 (cited by Victorian Clinical Genetics Services, Murdoch Childrens Research Institute); PubMed 20301308 (cited by Victorian Clinical Genetics Services, Murdoch Childrens Research Institute); PubMed 21777565 (cited by Victorian Clinical Genetics Services, Murdoch Childrens Research Institute); PubMed 26669661 (cited by Victorian Clinical Genetics Services, Murdoch Childrens Research Institute); PubMed 31696929 (cited by Victorian Clinical Genetics Services, Murdoch Childrens Research Institute).

NM_000238.4(KCNH2):c.923T>G (p.Met308Arg)

Gene: KCNH2 (potassium voltage-gated channel subfamily H member 2; minus strand). Cytogenetic location: 7q36.1.
Variant type: single nucleotide variant.
Coding change: c.923T>G on transcript NM_000238.4 (MANE Select); coding-DNA position 923, T replaced by G.
Protein change: p.Met308Arg; replaces methionine 308 with arginine.
Molecular consequence: missense variant.
Genome position (GRCh38, 1-based): chr7:150,957,496, A>C on the plus strand (T>G on the coding strand, the complement: KCNH2 is on the minus strand). VCF-style: chr7-150957496-A-C. GRCh37 (hg19) VCF-style: chr7-150654584-A-C.
Other names: c.635T>G, p.Met212Arg (NM_001406753.1, NM_001406756.1); c.746T>G, p.Met249Arg (NM_001406755.1); c.623T>G, p.Met208Arg (NM_001406757.1); c.923T>G, p.Met308Arg (NM_172056.3); short protein forms M308R, M208R, M212R, M249R.
Identifiers: ClinVar variation 923222 (VCV000923222.24), dbSNP rs372559632, ClinGen allele CA040915.